The following is an entry in ClinVar:

ClinVar aggregate classification (germline): Uncertain significance (1 of 4 stars; one submission).

gnomAD v4.1: 3 of 1,613,526 alleles (0.00019%); highest among the groups gnomAD compares: Non-Finnish European, 0.00025%; no homozygotes.

Submission:

Ambry Genetics
Classification: Uncertain significance. Last evaluated: 2026-03-30. Review status: criteria provided, single submitter. Criteria: Ambry Variant Classification Scheme 2023. Collection method: clinical testing. Allele origin: germline.
Comment: The c.4591C>T (p.R1531*) alteration, located in exon 38 (coding exon 35) of the FRYL gene, consists of a C to T substitution at nucleotide position 4591. This changes the amino acid from an arginine (R) to a stop codon at amino acid position 1531. This alteration is expected to result in loss of function by premature protein truncation or nonsense-mediated mRNA decay. However, loss of function of FRYL has not been established as a mechanism of disease. Based on data from gnomAD, the T allele has an overall frequency of <0.001% (1/249398) total alleles studied. The highest observed frequency was 0.001% (1/113154) of European (non-Finnish) alleles. Based on insufficient or conflicting evidence, the clinical significance of this alteration remains unclear.

NM_015030.2(FRYL):c.4591C>T (p.Arg1531Ter)

Gene: FRYL (FRY like transcription coactivator; minus strand). Cytogenetic location: 4p11.
Variant type: single nucleotide variant.
Coding change: c.4591C>T on transcript NM_015030.2 (MANE Select); coding-DNA position 4591, C replaced by T.
Protein change: p.Arg1531Ter; replaces arginine 1531 with a stop codon.
Molecular consequence: nonsense.
Genome position (GRCh38, 1-based): chr4:48,550,634, G>A on the plus strand (C>T on the coding strand, the complement: FRYL is on the minus strand). VCF-style: chr4-48550634-G-A. GRCh37 (hg19) VCF-style: chr4-48552651-G-A.
Other names: short protein forms R1531*.
Identifiers: ClinVar variation 3851848 (VCV003851848.2).